The following is an entry in ClinVar:

ClinVar aggregate classification (germline): Uncertain significance (1 of 4 stars; one submission).

Conditions:
Creatine transporter deficiency (CCDS1). Also called: CEREBRAL CREATINE DEFICIENCY SYNDROME 1; Creatine Transporter (CRTR) Deficiency; Mental retardation , X-linked with seizures, short stature and midface hypoplasia; Mental retardation , X-linked, with creatine transport deficiency; X-linked creatine transporter deficiency; X-linked creatine deficiency syndrome. Identifiers: Orphanet 52503, MedGen C1845862, MONDO:0010305, OMIM 300352.

Submission:

Labcorp Genetics (formerly Invitae), Labcorp
Classification: Uncertain significance for Creatine transporter deficiency. Last evaluated: 2022-08-21. Review status: criteria provided, single submitter. Criteria: Invitae Variant Classification Sherloc (09022015). Collection method: clinical testing. Allele origin: germline.
Comment: This sequence change replaces glutamic acid, which is acidic and polar, with lysine, which is basic and polar, at codon 605 of the SLC6A8 protein (p.Glu605Lys). In summary, the available evidence is currently insufficient to determine the role of this variant in disease. Therefore, it has been classified as a Variant of Uncertain Significance. Advanced modeling of protein sequence and biophysical properties (such as structural, functional, and spatial information, amino acid conservation, physicochemical variation, residue mobility, and thermodynamic stability) performed at Invitae indicates that this missense variant is not expected to disrupt SLC6A8 protein function. This variant has not been reported in the literature in individuals affected with SLC6A8-related conditions. The frequency data for this variant in the population databases is considered unreliable, as metrics indicate poor data quality at this position in the gnomAD database.

NM_005629.4(SLC6A8):c.1813G>A (p.Glu605Lys)

Gene: SLC6A8 (solute carrier family 6 member 8; plus strand). Cytogenetic location: Xq28.
Variant type: single nucleotide variant.
Coding change: c.1813G>A on transcript NM_005629.4 (MANE Select); coding-DNA position 1813, G replaced by A.
Protein change: p.Glu605Lys; replaces glutamic acid 605 with lysine.
Molecular consequence: missense variant.
Genome position (GRCh38, 1-based): chrX:153,695,119, G>A. VCF-style: chrX-153695119-G-A. GRCh37 (hg19) VCF-style: chrX-152960574-G-A.
Other names: c.1783G>A, p.Glu595Lys (NM_001142805.2); c.1468G>A, p.Glu490Lys (NM_001142806.1); short protein forms E595K, E605K, E490K.
Identifiers: ClinVar variation 2051666 (VCV002051666.4), dbSNP rs1557045839, ClinGen allele CA415091141.